The following is an entry in ClinVar:

NM_001110556.2(FLNA):c.1567+5G>C

Gene: FLNA (filamin A; minus strand). Cytogenetic location: Xq28.
Variant type: single nucleotide variant.
Coding change: c.1567+5G>C on transcript NM_001110556.2 (MANE Select); 5 bases into the intron after coding-DNA position 1567, G replaced by C.
Molecular consequence: intron variant.
Genome position (GRCh38, 1-based): chrX:154,365,344, C>G on the plus strand (G>C on the coding strand, the complement: FLNA is on the minus strand). VCF-style: chrX-154365344-C-G. GRCh37 (hg19) VCF-style: chrX-153593712-C-G.
Other names: c.1567+5G>C (NM_001456.4).
Identifiers: ClinVar variation 4975510 (VCV004975510.1).
Genomic context (GRCh38, chrX:154,365,344, plus strand): 5'-GCCTGCCCAGCAGTGAACCCGGGGGCTGCCGCCACCCATCCTGGCCTGGCTCCAGGCCAA[C>G]TTACTGGGGCCCTTCACGGTGACCTTCAGCTCCCCACTGCCAGCGCCCTTTGTGTACACC-3'

ClinVar aggregate classification (germline): Uncertain significance (1 of 4 stars; one submission).

Submission:

GeneDx
Classification: Uncertain significance. Last evaluated: 2026-01-23. Review status: criteria provided, single submitter. Criteria: GeneDx Variant Classification Process June 2021. Collection method: clinical testing. Allele origin: germline.
Comment: Intronic +5 splice site variant in a gene for which loss of function is a known mechanism of disease, and both splice predictors and evolutionary conservation support a deleterious effect, although in the absence of functional evidence the actual effect of this sequence change is unknown.; Not observed at significant frequency in large population cohorts (gnomAD); Has not been previously published as pathogenic or benign to our knowledge